The following is an entry in ClinVar:

NM_032119.4(ADGRV1):c.13066G>A (p.Val4356Met)

Gene: ADGRV1 (adhesion G protein-coupled receptor V1; plus strand). Cytogenetic location: 5q14.3.
Variant type: single nucleotide variant.
Coding change: c.13066G>A on transcript NM_032119.4 (MANE Select); coding-DNA position 13066, G replaced by A.
Protein change: p.Val4356Met; replaces valine 4356 with methionine.
Molecular consequence: missense variant. On other transcripts: non-coding transcript variant (1).
Genome position (GRCh38, 1-based): chr5:90,779,081, G>A. VCF-style: chr5-90779081-G-A. GRCh37 (hg19) VCF-style: chr5-90074898-G-A.
Other names: short protein forms V4356M.
Identifiers: ClinVar variation 2091339 (VCV002091339.4), dbSNP rs2531877566, ClinGen allele CA360390936.

ClinVar aggregate classification (germline): Uncertain significance (1 of 4 stars; one submission).

Submission:

Labcorp Genetics (formerly Invitae), Labcorp
Classification: Uncertain significance. Last evaluated: 2022-02-10. Review status: criteria provided, single submitter. Criteria: Invitae Variant Classification Sherloc (09022015). Collection method: clinical testing. Allele origin: germline.
Comment: In summary, the available evidence is currently insufficient to determine the role of this variant in disease. Therefore, it has been classified as a Variant of Uncertain Significance. Algorithms developed to predict the effect of missense changes on protein structure and function are either unavailable or do not agree on the potential impact of this missense change (SIFT: "Deleterious"; PolyPhen-2: "Possibly Damaging"; Align-GVGD: "Class C0"). This variant has not been reported in the literature in individuals affected with ADGRV1-related conditions. This variant is not present in population databases (gnomAD no frequency). This sequence change replaces valine, which is neutral and non-polar, with methionine, which is neutral and non-polar, at codon 4356 of the ADGRV1 protein (p.Val4356Met).